The following is an entry in ClinVar:

ClinVar aggregate classification (germline): Uncertain significance. Review status: criteria provided, multiple submitters, no conflicts (2 of 4 stars). 2 submissions from 2 submitters: Uncertain significance (2). Last evaluated 2026-01-05.

Conditions:
Inborn genetic diseases. Identifiers: MedGen C0950123, MeSH D030342.

Allele frequency attached by ClinVar (database versions not stated): ExAC 0.00003; gnomAD 0.00003; TOPMed 0.00003.
gnomAD v4.1: 95 of 1,614,000 alleles (0.0059%); highest among the groups gnomAD compares: Non-Finnish European, 0.0076%; no homozygotes.

Submissions (2):

Labcorp Genetics (formerly Invitae), Labcorp
Classification: Uncertain significance. Last evaluated: 2026-01-05. Review status: criteria provided, single submitter. Criteria: Invitae Variant Classification Sherloc (09022015). Collection method: clinical testing. Allele origin: germline.
Comment: This sequence change replaces threonine, which is neutral and polar, with isoleucine, which is neutral and non-polar, at codon 591 of the VPS13D protein (p.Thr591Ile). This variant is present in population databases (rs778371776, gnomAD 0.006%). This variant has not been reported in the literature in individuals affected with VPS13D-related conditions. ClinVar contains an entry for this variant (Variation ID: 2178151). Invitae Evidence Modeling of protein sequence and biophysical properties (such as structural, functional, and spatial information, amino acid conservation, physicochemical variation, residue mobility, and thermodynamic stability) indicates that this missense variant is not expected to disrupt VPS13D protein function with a negative predictive value of 80%. In summary, the available evidence is currently insufficient to determine the role of this variant in disease. Therefore, it has been classified as a Variant of Uncertain Significance.

Ambry Genetics
Classification: Uncertain significance for Inborn genetic diseases. Last evaluated: 2025-08-20. Review status: criteria provided, single submitter. Criteria: Ambry Variant Classification Scheme 2023. Collection method: clinical testing. Allele origin: germline.

NM_015378.4(VPS13D):c.1772C>T (p.Thr591Ile)

Gene: VPS13D (vacuolar protein sorting 13 homolog D; plus strand). Cytogenetic location: 1p36.22.
Variant type: single nucleotide variant.
Coding change: c.1772C>T on transcript NM_015378.4 (MANE Select); coding-DNA position 1772, C replaced by T.
Protein change: p.Thr591Ile; replaces threonine 591 with isoleucine.
Molecular consequence: missense variant.
Genome position (GRCh38, 1-based): chr1:12,267,891, C>T. VCF-style: chr1-12267891-C-T. GRCh37 (hg19) VCF-style: chr1-12327948-C-T.
Other names: c.1772C>T, p.Thr591Ile (NM_018156.4); c.1772C>T (NM_015378.2); short protein forms T591I.
Identifiers: ClinVar variation 2178151 (VCV002178151.5), dbSNP rs778371776, ClinGen allele CA601624.